The following is an entry in ClinVar:

ClinVar aggregate classification (germline): Uncertain significance (1 of 4 stars; one submission).

Submission:

Labcorp Genetics (formerly Invitae), Labcorp
Classification: Uncertain significance. Last evaluated: 2023-05-01. Review status: criteria provided, single submitter. Criteria: Invitae Variant Classification Sherloc (09022015). Collection method: clinical testing. Allele origin: germline.
Comment: This sequence change replaces histidine, which is basic and polar, with arginine, which is basic and polar, at codon 681 of the PROM1 protein (p.His681Arg). This variant is not present in population databases (gnomAD no frequency). This variant has not been reported in the literature in individuals affected with PROM1-related conditions. Advanced modeling of protein sequence and biophysical properties (such as structural, functional, and spatial information, amino acid conservation, physicochemical variation, residue mobility, and thermodynamic stability) has been performed at Invitae for this missense variant, however the output from this modeling did not meet the statistical confidence thresholds required to predict the impact of this variant on PROM1 protein function. In summary, the available evidence is currently insufficient to determine the role of this variant in disease. Therefore, it has been classified as a Variant of Uncertain Significance.

NM_006017.3(PROM1):c.2042A>G (p.His681Arg)

Gene: PROM1 (prominin 1; minus strand). Cytogenetic location: 4p15.32.
Variant type: single nucleotide variant.
Coding change: c.2042A>G on transcript NM_006017.3 (MANE Select); coding-DNA position 2042, A replaced by G.
Protein change: p.His681Arg; replaces histidine 681 with arginine.
Molecular consequence: missense variant.
Genome position (GRCh38, 1-based): chr4:15,989,766, T>C on the plus strand (A>G on the coding strand, the complement: PROM1 is on the minus strand). VCF-style: chr4-15989766-T-C. GRCh37 (hg19) VCF-style: chr4-15991389-T-C.
Other names: c.2015A>G, p.His672Arg (NM_001145847.2, NM_001145848.2, NM_001145851.2 and 4 more transcripts); c.2042A>G, p.His681Arg (NM_001145849.2, NM_001145850.2); short protein forms H672R, H681R.
Identifiers: ClinVar variation 3003627 (VCV003003627.3), dbSNP rs1577871873, ClinGen allele CA356430102.
Genomic context (GRCh38, chr4:15,989,766, plus strand): 5'-AAATACAATACGTCGTTGACTGTTACCAGTGATTGTTCTATAGGAAGGACTCGTTGCTGG[T>C]GAATTGTTTTAATAGTTTGTGCATCTCTTTTCAGGGAGTTCCTCAAATTTCCTGGGGGCT-3'
Protein context (NP_006008.1, residues 671-691): KRDAQTIKTI[His681Arg]QQRVLPIEQS